The following is an entry in ClinVar:

ClinVar aggregate classification (germline): Uncertain significance. Review status: criteria provided, multiple submitters, no conflicts (2 of 4 stars). 2 submissions from 2 submitters: Uncertain significance (2). Last evaluated 2022-12-06.

Conditions:
Inborn genetic diseases. Identifiers: MedGen C0950123, MeSH D030342.

Allele frequency attached by ClinVar (database versions not stated): gnomAD 0.00001; gnomAD exomes 0.00001; TOPMed 0.00001.
gnomAD v4.1: 17 of 1,613,666 alleles (0.0011%); highest among the groups gnomAD compares: African/African-American, 0.0013%; no homozygotes.

Submissions (2):

Ambry Genetics
Classification: Uncertain significance for Inborn genetic diseases. Last evaluated: 2022-12-06. Review status: criteria provided, single submitter. Criteria: Ambry Variant Classification Scheme 2023. Collection method: clinical testing. Allele origin: germline.

Laboratory for Molecular Medicine, Mass General Brigham Personalized Medicine
Classification: Uncertain significance. Last evaluated: 2015-07-30. Review status: criteria provided, single submitter. Criteria: LMM Criteria. Collection method: clinical testing. Allele origin: germline. Observed: 1 variant allele.
Comment: The p.Thr1843Met variant in TRIOBP has not been previously reported in individua ls with hearing loss and was absent from large population studies. Computational prediction tools and conservation analyses suggest that the p.Thr1843Met varian t may impact the protein, though this information is not predictive enough to de termine pathogenicity. In summary, the clinical significance of the p.Thr1843Met variant is uncertain.

NM_001039141.3(TRIOBP):c.5528C>T (p.Thr1843Met)

Genes: TRIOBP (TRIO and F-actin binding protein; plus strand), LOC126863145 (CDK7 strongly-dependent group 2 enhancer GRCh37_chr22:38150829-38152028; plus strand). Cytogenetic location: 22q13.1.
Variant type: single nucleotide variant.
Coding change: c.5528C>T on transcript NM_001039141.3 (MANE Select); coding-DNA position 5528, C replaced by T.
Protein change: p.Thr1843Met; replaces threonine 1843 with methionine.
Molecular consequence: missense variant.
Genome position (GRCh38, 1-based): chr22:37,755,141, C>T. VCF-style: chr22-37755141-C-T. GRCh37 (hg19) VCF-style: chr22-38151148-C-T.
Other names: c.389C>T, p.Thr130Met (NM_007032.5, NM_138632.2); short protein forms T1843M, T130M.
Identifiers: ClinVar variation 229360 (VCV000229360.8), dbSNP rs528806680, ClinGen allele CA10577148.